The following is an entry in ClinVar:

NM_000261.2(MYOC):c.376C>T (p.Arg126Trp)

Gene: MYOC (myocilin; minus strand). Cytogenetic location: 1q24.3.
Variant type: single nucleotide variant.
Coding change: c.376C>T on transcript NM_000261.2 (MANE Select); coding-DNA position 376, C replaced by T.
Protein change: p.Arg126Trp; replaces arginine 126 with tryptophan.
Molecular consequence: missense variant.
Genome position (GRCh38, 1-based): chr1:171,652,236, G>A on the plus strand (C>T on the coding strand, the complement: MYOC is on the minus strand). VCF-style: chr1-171652236-G-A. GRCh37 (hg19) VCF-style: chr1-171621376-G-A.
Other names: NM_000261.2:c.376C>T; short protein forms R126W.
Identifiers: ClinVar variation 1303146 (VCV001303146.15), dbSNP rs200120115, ClinGen allele CA1244289.

ClinVar aggregate classification (germline): Likely benign. Review status: reviewed by expert panel (3 of 4 stars). 3 submissions from 3 submitters: Likely benign (1). 2 of the submissions do not count toward it. Last evaluated 2025-11-12.

Conditions:
Open-angle glaucoma. Identifiers: MedGen C0017612, MONDO:0005338, HP:0012108.

Allele frequency attached by ClinVar (database versions not stated): gnomAD 0.00014 and 0.00013; ESP Exome Variant Server 0.00015; gnomAD exomes 0.00015 and 0.00010; 1000 Genomes Project 30x 0.00016; 1000 Genomes Project 0.00020; ExAC 0.00011; TOPMed 0.00013.
gnomAD v4.1: 169 of 1,614,150 alleles (0.01%); highest among the groups gnomAD compares: Admixed American, 0.062%; no homozygotes.

Submissions (3):

ClinGen Glaucoma Variant Curation Expert Panel
Classification: Likely benign for Open-angle glaucoma. Last evaluated: 2025-11-12. Review status: reviewed by expert panel. Criteria: ClinGen Glaucoma ACMG Specifications V2.0.0 Approved. Collection method: curation. Allele origin: germline. Inheritance: Autosomal dominant inheritance.
Comment: The c.376C>T variant in MYOC is a missense variant predicted to cause substitution of Arginine by Tryptophan at amino acid 126 (p.Arg126Trp). The highest minor allele frequency of this variant was in the Admixed American genetic ancestry group of gnomAD (v4.1.0) = 0.0006165 (37 alleles out of 60,012), which did not meet the PM2_Supporting allele frequency threshold (≤ 0.0001) or the BS1 allele frequency threshold (≥ 0.001). The REVEL score = 0.561, which was neither above nor below the thresholds for PP3 (≥ 0.644) or BP4 (≤ 0.290), predicting a damaging or benign impact on MYOC function. The Arg126Trp protein had similar secretion levels to wild type myocilin protein in these studies (PMIDs: 16466712, 36267417). The assays met the OddsPath threshold for BS3_Moderate (< 0.23), indicating that this variant did not impact protein function. Only 2 segregations had been reported for primary open angle glaucoma (POAG), not meeting the ≥ 3 segregations required for PP1. Although probands with POAG have been reported carrying this variant, PM2_Supporting was not met, therefore PS4 did not apply. In summary, this variant met the criteria to receive a score of -2 and to be classified as likely benign (likely benign classification range -2 to -6, adapted from PMID: 32720330) for primary open angle glaucoma based on the ACMG/AMP criteria met, as specified by the ClinGen Glaucoma VCEP (v2.0.0, 5 Dec 2024): BS3_Moderate

Labcorp Genetics (formerly Invitae), Labcorp
Classification: Likely benign. Last evaluated: 2022-06-20. Review status: criteria provided, single submitter. Criteria: Invitae Variant Classification Sherloc (09022015). Collection method: clinical testing. Allele origin: germline. Not counted in ClinVar's aggregate classification.

GeneDx
Classification: Uncertain significance. Last evaluated: 2019-09-09. Review status: criteria provided, single submitter. Criteria: GeneDx Variant Classification Process June 2021. Collection method: clinical testing. Allele origin: germline. Affected: yes. Not counted in ClinVar's aggregate classification.
Comment: In silico analysis, which includes protein predictors and evolutionary conservation, supports that this variant does not alter protein structure/function; This variant is associated with the following publications: (PMID: 14764620, 16466712, 30816137, 12189160)

Literature cited by the submitters: PubMed 36267417 (cited by ClinGen Glaucoma Variant Curation Expert Panel); PubMed 16466712 (cited by ClinGen Glaucoma Variant Curation Expert Panel).